The following is an entry in ClinVar:

NM_005591.4(MRE11):c.1304A>G (p.Gln435Arg)

Gene: MRE11 (MRE11 double strand break repair nuclease; minus strand). Cytogenetic location: 11q21.
Variant type: single nucleotide variant.
Coding change: c.1304A>G on transcript NM_005591.4 (MANE Select); coding-DNA position 1304, A replaced by G.
Protein change: p.Gln435Arg; replaces glutamine 435 with arginine.
Molecular consequence: missense variant.
Genome position (GRCh38, 1-based): chr11:94,460,958, T>C on the plus strand (A>G on the coding strand, the complement: MRE11 is on the minus strand). VCF-style: chr11-94460958-T-C. GRCh37 (hg19) VCF-style: chr11-94194124-T-C.
Other names: c.1304A>G, p.Gln435Arg (NM_001330347.2, NM_005590.4); short protein forms Q435R.
Identifiers: ClinVar variation 3874335 (VCV003874335.1).
Genomic context (GRCh38, chr11:94,460,958, plus strand): 5'-GGTAGCCATTATTCAAAATGTGAACTGTAAGAAATTACCTTCTCTGCGGTTTGAAAGTAC[T>C]GTTTTACAAGATCTTCTACCCTTAAAGTTGTTCCTTCTGAAGGCTTTGTGATAAGTTTCC-3'
Protein context (NP_005582.1, residues 425-445): TTLRVEDLVK[Gln435Arg]YFQTAEKNVQ

ClinVar aggregate classification (germline): Uncertain significance (1 of 4 stars; one submission).

Conditions:
Hereditary cancer-predisposing syndrome. Also called: Tumor predisposition; Neoplastic Syndromes, Hereditary; Hereditary Cancer Syndrome; Hereditary neoplastic syndrome. Identifiers: Orphanet 140162, MedGen C0027672, MeSH D009386, MONDO:0015356.

Submission:

Ambry Genetics
Classification: Uncertain significance for Hereditary cancer-predisposing syndrome. Last evaluated: 2025-02-12. Review status: criteria provided, single submitter. Criteria: Ambry Variant Classification Scheme 2023. Collection method: clinical testing. Allele origin: germline.
Comment: The p.Q435R variant (also known as c.1304A>G), located in coding exon 11 of the MRE11A gene, results from an A to G substitution at nucleotide position 1304. The glutamine at codon 435 is replaced by arginine, an amino acid with highly similar properties. This amino acid position is conserved. In addition, the in silico prediction for this alteration is inconclusive. Based on the available evidence, the clinical significance of this variant remains unclear.